The following is an entry in ClinVar:

NM_001429.4(EP300):c.865A>G (p.Met289Val)

Gene: EP300 (EP300 lysine acetyltransferase; plus strand). Cytogenetic location: 22q13.2.
Variant type: single nucleotide variant.
Coding change: c.865A>G on transcript NM_001429.4 (MANE Select); coding-DNA position 865, A replaced by G.
Protein change: p.Met289Val; replaces methionine 289 with valine.
Molecular consequence: missense variant.
Genome position (GRCh38, 1-based): chr22:41,125,999, A>G. VCF-style: chr22-41125999-A-G. GRCh37 (hg19) VCF-style: chr22-41522003-A-G.
Other names: c.865A>G, p.Met289Val (NM_001362843.2); short protein forms M289V.
Identifiers: ClinVar variation 134046 (VCV000134046.53), dbSNP rs2230111, ClinGen allele CA158502.

ClinVar aggregate classification (germline): Benign/Likely benign. Review status: criteria provided, multiple submitters, no conflicts (2 of 4 stars). 11 submissions from 11 submitters: Benign (4); Likely benign (3). 4 of the submissions do not count toward it. Last evaluated 2026-05-01.

Conditions:
EP300-related disorder. Also called: EP300-related disorders; EP300-related condition.
Rubinstein-Taybi syndrome due to EP300 haploinsufficiency. Also called: RUBINSTEIN-TAYBI SYNDROME 2; EP300-Related Rubinstein-Taybi Syndrome. Identifiers: Orphanet 353284, Orphanet 783, MedGen C3150941, MONDO:0013364, OMIM 613684.

Allele frequency attached by ClinVar (database versions not stated): 1000 Genomes Project 0.00080; 1000 Genomes Project 30x 0.00094; TOPMed 0.00192; gnomAD exomes 0.00206 and 0.00300; ESP Exome Variant Server 0.00223; ExAC 0.00229; gnomAD 0.00258.
gnomAD v4.1: 4,664 of 1,614,186 alleles (0.29%); highest among the groups gnomAD compares: Non-Finnish European, 0.37%; 13 homozygotes.

Submissions (11):

CeGaT Center for Human Genetics Tuebingen
Classification: Benign. Last evaluated: 2026-05-01. Review status: criteria provided, single submitter. Criteria: CeGaT Center For Human Genetics Tuebingen Variant Classification Criteria Version 2. Collection method: clinical testing. Allele origin: germline. Affected: yes. Observed: 25 variant alleles.
Comment: EP300: BP4, BS1, BS2

Labcorp Genetics (formerly Invitae), Labcorp
Classification: Benign for Rubinstein-Taybi syndrome due to EP300 haploinsufficiency. Last evaluated: 2026-01-15. Review status: criteria provided, single submitter. Criteria: Invitae Variant Classification Sherloc (09022015). Collection method: clinical testing. Allele origin: germline.

Blueprint Genetics
Classification: Likely benign. Last evaluated: 2024-11-21. Review status: criteria provided, single submitter. Criteria: ACMG Guidelines, 2015. Collection method: clinical testing. Allele origin: germline.

Genetic Services Laboratory, University of Chicago
Classification: Benign. Last evaluated: 2019-04-12. Review status: criteria provided, single submitter. Criteria: ACMG Guidelines, 2015. Collection method: clinical testing. Allele origin: germline. Affected: no.

GeneDx
Classification: Benign. Last evaluated: 2019-01-28. Review status: criteria provided, single submitter. Criteria: GeneDx Variant Classification Process June 2021. Collection method: clinical testing. Allele origin: germline. Affected: yes.
Comment: This variant is associated with the following publications: (PMID: 30132219, 17299436)

Eurofins Ntd Llc (ga)
Classification: Likely benign. Last evaluated: 2015-01-29. Review status: criteria provided, single submitter. Criteria: EGL Classification Definitions 2015. Collection method: clinical testing. Allele origin: germline. Observed: 1 variant allele, 1 heterozygote.

Breakthrough Genomics
Classification: Likely benign. Review status: criteria provided, single submitter. Criteria: ACMG Guidelines, 2015. Collection method: not provided. Allele origin: germline. Inheritance: Autosomal dominant inheritance. Affected: yes.

PreventionGenetics, part of Exact Sciences
Classification: Benign for EP300-related condition. Last evaluated: 2019-04-08. Review status: no assertion criteria provided. Collection method: clinical testing. Allele origin: germline. Not counted in ClinVar's aggregate classification.
Comment: This variant is classified as benign based on ACMG/AMP sequence variant interpretation guidelines (Richards et al. 2015 PMID: 25741868, with internal and published modifications).

ITMI
No classification provided. Condition: AllHighlyPenetrant. Last evaluated: 2013-09-19. Review status: no classification provided. Collection method: reference population. Allele origin: germline. Not counted in ClinVar's aggregate classification.
Comment: Please see associated publication for description of ethnicities

Diagnostic Laboratory, Department of Genetics, University Medical Center Groningen
Classification: Likely benign. Review status: no assertion criteria provided. Collection method: clinical testing. Allele origin: germline. Affected: yes. Study: VKGL Data-share Consensus. Not counted in ClinVar's aggregate classification.

Laboratory of Diagnostic Genome Analysis, Leiden University Medical Center (LUMC)
Classification: Likely benign. Review status: no assertion criteria provided. Collection method: clinical testing. Allele origin: germline. Affected: yes. Study: VKGL Data-share Consensus. Not counted in ClinVar's aggregate classification.

Literature cited by the submitters: PubMed 24728327 (cited by ITMI).